The following is an entry in ClinVar:

NM_001195263.2(PDZD7):c.1037G>T (p.Arg346Leu)

Gene: PDZD7 (PDZ domain containing 7; minus strand). Cytogenetic location: 10q24.31.
Variant type: single nucleotide variant.
Coding change: c.1037G>T on transcript NM_001195263.2 (MANE Select); coding-DNA position 1037, G replaced by T.
Protein change: p.Arg346Leu; replaces arginine 346 with leucine.
Molecular consequence: missense variant.
Genome position (GRCh38, 1-based): chr10:101,019,109, C>A on the plus strand (G>T on the coding strand, the complement: PDZD7 is on the minus strand). VCF-style: chr10-101019109-C-A. GRCh37 (hg19) VCF-style: chr10-102778866-C-A.
Other names: c.1037G>T, p.Arg346Leu (NM_001351044.2, NM_024895.5); short protein forms R346L.
Identifiers: ClinVar variation 1963662 (VCV001963662.5), dbSNP rs1004644476, ClinGen allele CA212984242.

ClinVar aggregate classification (germline): Uncertain significance (1 of 4 stars; one submission).

Allele frequency attached by ClinVar (database versions not stated): gnomAD exomes below 0.00001; TOPMed 0.00001.
gnomAD v4.1: 5 of 1,555,262 alleles (0.00032%); highest among the groups gnomAD compares: African/African-American, 0.0013%; no homozygotes.

Submission:

Labcorp Genetics (formerly Invitae), Labcorp
Classification: Uncertain significance. Last evaluated: 2022-02-17. Review status: criteria provided, single submitter. Criteria: Invitae Variant Classification Sherloc (09022015). Collection method: clinical testing. Allele origin: germline.
Comment: In summary, the available evidence is currently insufficient to determine the role of this variant in disease. Therefore, it has been classified as a Variant of Uncertain Significance. Algorithms developed to predict the effect of missense changes on protein structure and function are either unavailable or do not agree on the potential impact of this missense change (SIFT: "Tolerated"; PolyPhen-2: "Not Available"; Align-GVGD: "Class C0"). This variant has not been reported in the literature in individuals affected with PDZD7-related conditions. The frequency data for this variant in the population databases is considered unreliable, as metrics indicate poor data quality at this position in the gnomAD database. This sequence change replaces arginine, which is basic and polar, with leucine, which is neutral and non-polar, at codon 346 of the PDZD7 protein (p.Arg346Leu).